The following is an entry in ClinVar:

NM_006231.4(POLE):c.4236C>T (p.Asn1412=)

Gene: POLE (DNA polymerase epsilon, catalytic subunit; minus strand). Cytogenetic location: 12q24.33.
Variant type: single nucleotide variant.
Coding change: c.4236C>T on transcript NM_006231.4 (MANE Select); coding-DNA position 4236, C replaced by T.
Protein change: p.Asn1412=; no amino-acid change (asparagine 1412 retained).
Molecular consequence: synonymous variant.
Genome position (GRCh38, 1-based): chr12:132,643,891, G>A on the plus strand (C>T on the coding strand, the complement: POLE is on the minus strand). VCF-style: chr12-132643891-G-A. GRCh37 (hg19) VCF-style: chr12-133220477-G-A.
Identifiers: ClinVar variation 383161 (VCV000383161.19), dbSNP rs377245595, ClinGen allele CA6892936.

ClinVar aggregate classification (germline): Benign/Likely benign. Review status: criteria provided, multiple submitters, no conflicts (2 of 4 stars). 5 submissions from 5 submitters: Benign (1); Likely benign (4). Last evaluated 2025-12-23.

Conditions:
Hereditary cancer-predisposing syndrome. Also called: Hereditary Cancer Syndrome; Hereditary neoplastic syndrome; Neoplastic Syndromes, Hereditary; Tumor predisposition. Identifiers: Orphanet 140162, MedGen C0027672, MeSH D009386, MONDO:0015356.

Allele frequency attached by ClinVar (database versions not stated): gnomAD 0.00001 and 0.00003; TOPMed 0.00001; gnomAD exomes 0.00005 and 0.00009; ExAC 0.00006; ESP Exome Variant Server 0.00008; 1000 Genomes Project 30x 0.00016; 1000 Genomes Project 0.00020.
gnomAD v4.1: 72 of 1,614,186 alleles (0.0045%); highest among the groups gnomAD compares: South Asian, 0.041%; no homozygotes.

Submissions (5):

Labcorp Genetics (formerly Invitae), Labcorp
Classification: Likely benign. Last evaluated: 2025-12-23. Review status: criteria provided, single submitter. Criteria: Invitae Variant Classification Sherloc (09022015). Collection method: clinical testing. Allele origin: germline.

Center for Genomic Medicine, Rigshospitalet, Copenhagen University Hospital
Classification: Likely benign. Last evaluated: 2025-03-04. Review status: criteria provided, single submitter. Criteria: ACMG Guidelines, 2015. Collection method: clinical testing. Allele origin: germline.

Quest Diagnostics Nichols Institute San Juan Capistrano
Classification: Benign. Last evaluated: 2018-03-08. Review status: criteria provided, single submitter. Criteria: Quest Diagnostics criteria. Collection method: clinical testing. Allele origin: germline.

GeneDx
Classification: Likely benign. Last evaluated: 2016-01-13. Review status: criteria provided, single submitter. Criteria: GeneDx Variant Classification (06012015). Collection method: clinical testing. Allele origin: germline. Affected: yes.
Comment: This variant is considered likely benign or benign based on one or more of the following criteria: it is a conservative change, it occurs at a poorly conserved position in the protein, it is predicted to be benign by multiple in silico algorithms, and/or has population frequency not consistent with disease.

Ambry Genetics
Classification: Likely benign for Hereditary cancer-predisposing syndrome. Last evaluated: 2015-08-05. Review status: criteria provided, single submitter. Criteria: Ambry Variant Classification Scheme 2023. Collection method: clinical testing. Allele origin: germline.